The following is an entry in ClinVar:

NM_000283.4(PDE6B):c.305G>A (p.Gly102Asp)

Gene: PDE6B (phosphodiesterase 6B; plus strand). Cytogenetic location: 4p16.3.
Variant type: single nucleotide variant.
Coding change: c.305G>A on transcript NM_000283.4 (MANE Select); coding-DNA position 305, G replaced by A.
Protein change: p.Gly102Asp; replaces glycine 102 with aspartic acid.
Molecular consequence: missense variant.
Genome position (GRCh38, 1-based): chr4:625,931, G>A. VCF-style: chr4-625931-G-A. GRCh37 (hg19) VCF-style: chr4-619720-G-A.
Other names: c.305G>A, p.Gly102Asp (NM_001145291.2); short protein forms G102D.
Identifiers: ClinVar variation 1361912 (VCV001361912.8), dbSNP rs762799836, ClinGen allele CA355906753.

ClinVar aggregate classification (germline): Uncertain significance (1 of 4 stars; one submission).

Allele frequency attached by ClinVar (database versions not stated): gnomAD exomes below 0.00001; TOPMed below 0.00001.
gnomAD v4.1: 2 of 1,594,430 alleles (0.00013%); highest among the groups gnomAD compares: South Asian, 0.0011%; no homozygotes.

Submission:

Labcorp Genetics (formerly Invitae), Labcorp
Classification: Uncertain significance. Last evaluated: 2024-01-19. Review status: criteria provided, single submitter. Criteria: Invitae Variant Classification Sherloc (09022015). Collection method: clinical testing. Allele origin: germline.
Comment: This sequence change replaces glycine, which is neutral and non-polar, with aspartic acid, which is acidic and polar, at codon 102 of the PDE6B protein (p.Gly102Asp). The frequency data for this variant in the population databases is considered unreliable, as metrics indicate poor data quality at this position in the gnomAD database. This variant has not been reported in the literature in individuals affected with PDE6B-related conditions. ClinVar contains an entry for this variant (Variation ID: 1361912). Advanced modeling of protein sequence and biophysical properties (such as structural, functional, and spatial information, amino acid conservation, physicochemical variation, residue mobility, and thermodynamic stability) performed at Invitae indicates that this missense variant is not expected to disrupt PDE6B protein function with a negative predictive value of 95%. In summary, the available evidence is currently insufficient to determine the role of this variant in disease. Therefore, it has been classified as a Variant of Uncertain Significance.